The following is an entry in ClinVar:

ClinVar aggregate classification (germline): Conflicting classifications of pathogenicity. Review status: criteria provided, conflicting classifications (1 of 4 stars). 2 submissions from 2 submitters: Uncertain significance (1); Likely benign (1). Last evaluated 2025-10-15.

Conditions:
Hereditary diffuse gastric adenocarcinoma (HDGC). Also called: DIFFUSE GASTRIC AND LOBULAR BREAST CANCER SYNDROME. Identifiers: Orphanet 26106, MedGen C1708349, MONDO:0007648, OMIM 137215.
Hereditary cancer-predisposing syndrome. Also called: Neoplastic Syndromes, Hereditary; Tumor predisposition; Hereditary neoplastic syndrome; Hereditary Cancer Syndrome. Identifiers: Orphanet 140162, MedGen C0027672, MeSH D009386, MONDO:0015356.

Submissions (2):

Ambry Genetics
Classification: Likely benign for Hereditary cancer-predisposing syndrome. Last evaluated: 2025-10-15. Review status: criteria provided, single submitter. Criteria: Ambry Variant Classification Scheme 2023. Collection method: clinical testing. Allele origin: germline.

Labcorp Genetics (formerly Invitae), Labcorp
Classification: Uncertain significance for Hereditary diffuse gastric adenocarcinoma. Last evaluated: 2024-03-21. Review status: criteria provided, single submitter. Criteria: Invitae Variant Classification Sherloc (09022015). Collection method: clinical testing. Allele origin: germline.
Comment: This sequence change replaces proline, which is neutral and non-polar, with serine, which is neutral and polar, at codon 372 of the CDH1 protein (p.Pro372Ser). This variant is not present in population databases (gnomAD no frequency). This variant has not been reported in the literature in individuals affected with CDH1-related conditions. ClinVar contains an entry for this variant (Variation ID: 1795910). An algorithm developed to predict the effect of missense changes on protein structure and function (PolyPhen-2) suggests that this variant is likely to be disruptive. In summary, the available evidence is currently insufficient to determine the role of this variant in disease. Therefore, it has been classified as a Variant of Uncertain Significance.

NM_004360.5(CDH1):c.1114C>T (p.Pro372Ser)

Gene: CDH1 (cadherin 1; plus strand). Cytogenetic location: 16q22.1.
Variant type: single nucleotide variant.
Coding change: c.1114C>T on transcript NM_004360.5 (MANE Select); coding-DNA position 1114, C replaced by T.
Protein change: p.Pro372Ser; replaces proline 372 with serine.
Molecular consequence: missense variant. On other transcripts: 5 prime UTR variant (2).
Genome position (GRCh38, 1-based): chr16:68,812,240, C>T. VCF-style: chr16-68812240-C-T. GRCh37 (hg19) VCF-style: chr16-68846143-C-T.
Other names: c.1114C>T, p.Pro372Ser (NM_001317184.2); c.-502C>T (NM_001317185.2); c.-706C>T (NM_001317186.2); short protein forms P372S.
Identifiers: ClinVar variation 1795910 (VCV001795910.5), dbSNP rs1555515758, ClinGen allele CA396460202.